The following is an entry in ClinVar:

ClinVar aggregate classification (germline): Uncertain significance (1 of 4 stars; one submission).

Conditions:
Hereditary cancer-predisposing syndrome. Also called: Hereditary Cancer Syndrome; Hereditary neoplastic syndrome; Neoplastic Syndromes, Hereditary; Tumor predisposition. Identifiers: Orphanet 140162, MedGen C0027672, MeSH D009386, MONDO:0015356.

Submission:

Ambry Genetics
Classification: Uncertain significance for Hereditary cancer-predisposing syndrome. Last evaluated: 2021-10-11. Review status: criteria provided, single submitter. Criteria: Ambry Variant Classification Scheme 2023. Collection method: clinical testing. Allele origin: germline.
Comment: The p.V183L variant (also known as c.547G>C) is located in coding exon 5 of the POT1 gene. The valine at codon 183 is replaced by leucine, an amino acid with highly similar properties. This amino acid position is highly conserved in available vertebrate species. In addition, the in silico prediction for this alteration is inconclusive. Since supporting evidence is limited at this time, the clinical significance of this alteration remains unclear.

NM_015450.3(POT1):c.547G>C (p.Val183Leu)

Gene: POT1 (protection of telomeres 1; minus strand). Cytogenetic location: 7q31.33.
Variant type: single nucleotide variant.
Coding change: c.547G>C on transcript NM_015450.3 (MANE Select); coding-DNA position 547, G replaced by C.
Protein change: p.Val183Leu; replaces valine 183 with leucine.
Molecular consequence: missense variant. On other transcripts: non-coding transcript variant (3).
Genome position (GRCh38, 1-based): chr7:124,859,112, C>G on the plus strand (G>C on the coding strand, the complement: POT1 is on the minus strand). VCF-style: chr7-124859112-C-G. GRCh37 (hg19) VCF-style: chr7-124499166-C-G.
Other names: c.154G>C, p.Val52Leu (NM_001042594.2); short protein forms V183L, V52L.
Identifiers: ClinVar variation 1747794 (VCV001747794.2), dbSNP rs1186225134, ClinGen allele CA369056860.